The following is an entry in ClinVar:

NM_000465.4(BARD1):c.755del (p.Pro252fs)

Gene: BARD1 (BRCA1 associated RING domain 1; minus strand). Cytogenetic location: 2q35.
Variant type: Deletion.
Coding change: c.755del on transcript NM_000465.4 (MANE Select); coding-DNA position 755, one base deleted (C; older notation c.755delC).
Protein change: p.Pro252fs; shifts the reading frame from proline 252.
Molecular consequence: frameshift variant. On other transcripts: non-coding transcript variant (2), intron variant (3).
Genome position (GRCh38, 1-based): chr2:214,781,119, G deleted on the plus strand (C on the coding strand, the reverse complement: BARD1 is on the minus strand); the first of 2 consecutive G bases (chr2:214,781,119-214,781,120); deleting either gives the same sequence. VCF-style (leftmost placement, unchanged base first): chr2-214781118-AG-A. GRCh37 (hg19) VCF-style: chr2-215645842-AG-A.
Other names: c.698del, p.Pro233fs (NM_001282543.2); c.158+28293del (NM_001282548.2); c.215+15942del (NM_001282545.2); c.364+11178del (NM_001282549.2); short protein forms P233fs, P252fs.
Identifiers: ClinVar variation 460763 (VCV000460763.12), dbSNP rs1553622471, ClinGen allele CA658657208.

ClinVar aggregate classification (germline): Pathogenic. Review status: criteria provided, multiple submitters, no conflicts (2 of 4 stars). 2 submissions from 2 submitters: Pathogenic (2). Last evaluated 2022-03-05.

Conditions:
Hereditary cancer-predisposing syndrome. Also called: Neoplastic Syndromes, Hereditary; Tumor predisposition; Hereditary Cancer Syndrome; Hereditary neoplastic syndrome. Identifiers: Orphanet 140162, MedGen C0027672, MeSH D009386, MONDO:0015356.
Familial cancer of breast. Also called: BREAST CANCER, FAMILIAL; hereditary breast carcinoma; Hereditary breast cancer. Identifiers: Orphanet 227535, MedGen C0346153, MONDO:0016419, OMIM 114480. Disease mechanism: loss of function.

Submissions (2):

Labcorp Genetics (formerly Invitae), Labcorp
Classification: Pathogenic for Familial cancer of breast. Last evaluated: 2022-03-05. Review status: criteria provided, single submitter. Criteria: Invitae Variant Classification Sherloc (09022015). Collection method: clinical testing. Allele origin: germline.
Comment: For these reasons, this variant has been classified as Pathogenic. ClinVar contains an entry for this variant (Variation ID: 460763). This variant has not been reported in the literature in individuals affected with BARD1-related conditions. This variant is not present in population databases (gnomAD no frequency). This sequence change creates a premature translational stop signal (p.Pro252Leufs*3) in the BARD1 gene. It is expected to result in an absent or disrupted protein product. Loss-of-function variants in BARD1 are known to be pathogenic (PMID: 20077502, 21344236).

Ambry Genetics
Classification: Pathogenic for Hereditary cancer-predisposing syndrome. Last evaluated: 2017-01-13. Review status: criteria provided, single submitter. Criteria: Ambry Variant Classification Scheme 2023. Collection method: clinical testing. Allele origin: germline.
Comment: The c.755delC pathogenic mutation, located in coding exon 4 of the BARD1 gene, results from a deletion of one nucleotide at nucleotide position 755, causing a translational frameshift with a predicted alternate stop codon (p.P252Lfs*3). This alteration is expected to result in loss of function by premature protein truncation or nonsense-mediated mRNA decay. As such, this alteration is interpreted as a disease-causing mutation.

Literature cited by the submitters: PubMed 20077502 (cited by Labcorp Genetics (formerly Invitae), Labcorp); PubMed 21344236 (cited by Labcorp Genetics (formerly Invitae), Labcorp).